The following is an entry in ClinVar:

NM_003901.4(SGPL1):c.1474G>T (p.Ala492Ser)

Gene: SGPL1 (sphingosine-1-phosphate lyase 1; plus strand). Cytogenetic location: 10q22.1.
Variant type: single nucleotide variant.
Coding change: c.1474G>T on transcript NM_003901.4 (MANE Select); coding-DNA position 1474, G replaced by T.
Protein change: p.Ala492Ser; replaces alanine 492 with serine.
Molecular consequence: missense variant.
Genome position (GRCh38, 1-based): chr10:70,876,569, G>T. VCF-style: chr10-70876569-G-T. GRCh37 (hg19) VCF-style: chr10-72636326-G-T.
Other names: c.1474G>T (NM_003901.3); short protein forms A492S.
Identifiers: ClinVar variation 1438163 (VCV001438163.4), dbSNP rs115923151, ClinGen allele CA5541490.

ClinVar aggregate classification (germline): Uncertain significance. Review status: criteria provided, multiple submitters, no conflicts (2 of 4 stars). 2 submissions from 2 submitters: Uncertain significance (2). Last evaluated 2022-06-27.

Conditions:
Inborn genetic diseases. Identifiers: MedGen C0950123, MeSH D030342.

gnomAD v4.1: 287 of 1,612,084 alleles (0.018%); highest among the groups gnomAD compares: Non-Finnish European, 0.024%; no homozygotes.

Submissions (2):

Labcorp Genetics (formerly Invitae), Labcorp
Classification: Uncertain significance. Last evaluated: 2022-06-27. Review status: criteria provided, single submitter. Criteria: Invitae Variant Classification Sherloc (09022015). Collection method: clinical testing. Allele origin: germline.
Comment: This sequence change replaces alanine, which is neutral and non-polar, with serine, which is neutral and polar, at codon 492 of the SGPL1 protein (p.Ala492Ser). This variant is present in population databases (rs115923151, gnomAD 0.009%). This variant has not been reported in the literature in individuals affected with SGPL1-related conditions. Algorithms developed to predict the effect of missense changes on protein structure and function (SIFT, PolyPhen-2, Align-GVGD) all suggest that this variant is likely to be tolerated. In summary, the available evidence is currently insufficient to determine the role of this variant in disease. Therefore, it has been classified as a Variant of Uncertain Significance.

Ambry Genetics
Classification: Uncertain significance for Inborn genetic diseases. Last evaluated: 2021-08-02. Review status: criteria provided, single submitter. Criteria: Ambry Variant Classification Scheme 2023. Collection method: clinical testing. Allele origin: germline.